The following is an entry in ClinVar:

NM_001103.4(ACTN2):c.784-2A>G

Gene: ACTN2 (actinin alpha 2; plus strand). Cytogenetic location: 1q43.
Variant type: single nucleotide variant.
Coding change: c.784-2A>G on transcript NM_001103.4 (MANE Select); the canonical splice acceptor site of the intron before coding-DNA position 784, A replaced by G.
Molecular consequence: splice acceptor variant.
Genome position (GRCh38, 1-based): chr1:236,737,120, A>G. VCF-style: chr1-236737120-A-G. GRCh37 (hg19) VCF-style: chr1-236900420-A-G.
Other names: c.784-2A>G (NM_001278343.2).
Identifiers: ClinVar variation 201633 (VCV000201633.10), dbSNP rs794728964, ClinGen allele CA335017.

ClinVar aggregate classification (germline): Uncertain significance. Review status: criteria provided, multiple submitters, no conflicts (2 of 4 stars). 2 submissions from 2 submitters: Uncertain significance (2). Last evaluated 2020-10-30.

Conditions:
Dilated cardiomyopathy 1AA (CMD1AA). Also called: Cardiomyopathy, dilated, 1AA, with or without LVNC; CARDIOMYOPATHY, DILATED, 1AA, WITH OR WITHOUT LEFT VENTRICULAR NONCOMPACTION; CARDIOMYOPATHY, FAMILIAL HYPERTROPHIC, 23, WITH OR WITHOUT LEFT VENTRICULAR NONCOMPACTION. Identifiers: Orphanet 154, MedGen C2677338, MONDO:0012808, OMIM 612158.
Primary familial hypertrophic cardiomyopathy (HCM). Identifiers: Orphanet 99739, MedGen C0949658, MeSH D024741, MONDO:0024573. Inheritance: Various modes of inheritance.

Submissions (2):

GeneDx
Classification: Uncertain significance. Last evaluated: 2020-10-30. Review status: criteria provided, single submitter. Criteria: GeneDx Variant Classification Process June 2021. Collection method: clinical testing. Allele origin: germline. Affected: yes.
Comment: Has not been previously published as pathogenic or benign to our knowledge; Not observed in large population cohorts (Lek et al., 2016); Canonical splice site variant in a gene for which loss-of-function is not a known mechanism of disease; Reported in ClinVar as a variant of uncertain significance (ClinVar Variant ID# 201633; Landrum et al., 2016)

Labcorp Genetics (formerly Invitae), Labcorp
Classification: Uncertain significance for Primary familial hypertrophic cardiomyopathy; Dilated cardiomyopathy 1AA. Last evaluated: 2016-11-06. Review status: criteria provided, single submitter. Criteria: Invitae Variant Classification Sherloc (09022015). Collection method: clinical testing. Allele origin: germline.
Comment: The current clinical and genetic evidence is not sufficient to establish whether loss-of-function variants in ACTN2 cause disease. Therefore, this variant has been classified as a Variant of Uncertain Significance. This sequence change affects an acceptor splice site in intron 8 of the ACTN2 gene. It is expected to disrupt RNA splicing and likely results in an absent or disrupted protein product. This variant is not present in population databases (ExAC no frequency) and has not been reported in the literature in individuals with an ACTN2-related disease. ClinVar contains an entry for this variant (Variation ID: 201633). Algorithms developed to predict the effect of sequence changes on RNA splicing suggest that this variant may alter RNA splicing, but this prediction has not been confirmed by published transcriptional studies.